The following is an entry in ClinVar:

ClinVar aggregate classification (germline): Pathogenic (1 of 4 stars; one submission).

Conditions:
Sandhoff disease. Also called: GM2-GANGLIOSIDOSIS, TYPE II; HEXOSAMINIDASES A AND B DEFICIENCY; Beta-hexosaminidase-beta-subunit deficiency; GM2 gangliosidosis, type 2; Total hexosaminidase deficiency; Sandhoff-Jatzkewitz-Pilz disease. Identifiers: Orphanet 796, MedGen C0036161, MONDO:0010006, OMIM 268800.

Submission:

Labcorp Genetics (formerly Invitae), Labcorp
Classification: Pathogenic for Sandhoff disease. Last evaluated: 2024-02-23. Review status: criteria provided, single submitter. Criteria: Invitae Variant Classification Sherloc (09022015). Collection method: clinical testing. Allele origin: germline.
Comment: This sequence change creates a premature translational stop signal (p.Leu3Argfs*28) in the HEXB gene. It is expected to result in an absent or disrupted protein product. Loss-of-function variants in HEXB are known to be pathogenic (PMID: 7550345, 18758829). This variant is not present in population databases (gnomAD no frequency). This variant has not been reported in the literature in individuals affected with HEXB-related conditions. For these reasons, this variant has been classified as Pathogenic.

Literature cited by the submitters: PubMed 7550345; PubMed 18758829.

NM_000521.4(HEXB):c.8del (p.Leu3fs)

Gene: HEXB (hexosaminidase subunit beta; plus strand). Cytogenetic location: 5q13.3.
Variant type: Deletion.
Coding change: c.8del on transcript NM_000521.4 (MANE Select); coding-DNA position 8, one base deleted (T; older notation c.8delT).
Protein change: p.Leu3fs; shifts the reading frame from leucine 3.
Molecular consequence: frameshift variant. On other transcripts: intron variant (1).
Genome position (GRCh38, 1-based): chr5:74,685,268, T deleted. VCF-style (leftmost placement, unchanged base first): chr5-74685267-CT-C. GRCh37 (hg19) VCF-style: chr5-73981092-CT-C.
Other names: c.-376-4060del (NM_001292004.2); short protein forms L3fs.
Identifiers: ClinVar variation 3642777 (VCV003642777.2).